The following is an entry in ClinVar:

NM_000257.4(MYH7):c.2677G>A (p.Ala893Thr)

Genes: MYH7 (myosin heavy chain 7; minus strand), LOC126861898 (BRD4-independent group 4 enhancer GRCh37_chr14:23893609-23894808; plus strand). Cytogenetic location: 14q11.2.
Variant type: single nucleotide variant.
Coding change: c.2677G>A on transcript NM_000257.4 (MANE Select); coding-DNA position 2677, G replaced by A.
Protein change: p.Ala893Thr; replaces alanine 893 with threonine.
Molecular consequence: missense variant.
Genome position (GRCh38, 1-based): chr14:23,424,771, C>T on the plus strand (G>A on the coding strand, the complement: MYH7 is on the minus strand). VCF-style: chr14-23424771-C-T. GRCh37 (hg19) VCF-style: chr14-23893980-C-T.
Other names: short protein forms A893T.
Identifiers: ClinVar variation 918999 (VCV000918999.17), dbSNP rs750204313, ClinGen allele CA033674.

ClinVar aggregate classification (germline): Uncertain significance. Review status: criteria provided, multiple submitters, no conflicts (2 of 4 stars). 6 submissions from 6 submitters: Uncertain significance (6). Last evaluated 2025-12-02.

Conditions:
Myopathy, myosin storage, autosomal recessive (CMYO7B). Also called: CONGENITAL MYOPATHY 7B, MYOSIN STORAGE, AUTOSOMAL RECESSIVE. Identifiers: Orphanet 636970, MedGen C1850709, MONDO:0009708, OMIM 255160.
Dilated cardiomyopathy 1S (CMD1S). Identifiers: Orphanet 154, Orphanet 54260, MedGen C1834481, MONDO:0013262, OMIM 613426.
Congenital myopathy with fiber type disproportion. Also called: Congenital fiber-type disproportion myopathy; Congenital fiber-type disproportion. Identifiers: Orphanet 2020, MedGen C0546264, MONDO:0009711. Inheritance: all.
Myosin storage myopathy (CMYO7A). Also called: MYOPATHY, HYALINE BODY, AUTOSOMAL DOMINANT; Scapuloperoneal myopathy, MYH7-related; MYOPATHY WITH LYSIS OF TYPE I MYOFIBRILS; SCAPULOPERONEAL MUSCULAR DYSTROPHY; SCAPULOPERONEAL SYNDROME, MYOPATHIC TYPE; MYH7-related late-onset scapuloperoneal muscular dystrophy. Identifiers: Orphanet 437572, Orphanet 636965, MedGen C1842160, MONDO:0008409, OMIM 608358.
MYH7-related skeletal myopathy. Also called: Myopathy, distal, 1; MYOPATHY, DISTAL, EARLY-ONSET, AUTOSOMAL DOMINANT; MYOPATHY, LATE DISTAL HEREDITARY; Laing distal myopathy; Laing early-onset distal myopathy. Identifiers: Orphanet 59135, MedGen C4552004, MONDO:0008050, OMIM 160500.
Hypertrophic cardiomyopathy 1 (CMH1). Also called: Familial hypertrophic cardiomyopathy 1; MYH7-Related Familial Hypertrophic Cardiomyopathy. Identifiers: MedGen C3495498, MONDO:0008647, OMIM 192600.
Cardiovascular phenotype. Identifiers: MedGen CN230736.
Cardiomyopathy (CMYO). Also called: Cardiomyopathies. Identifiers: Orphanet 167848, MedGen C0878544, MONDO:0004994, HP:0001638. Inheritance: Various modes of inheritance.
Hypertrophic cardiomyopathy. Also called: HYPERTROPHIC MYOCARDIOPATHY. Identifiers: Orphanet 217569, MedGen C0007194, MeSH D002312, MONDO:0005045, HP:0001639.

Allele frequency attached by ClinVar (database versions not stated): gnomAD exomes below 0.00001; ExAC 0.00001; gnomAD 0.00001; TOPMed 0.00001.
gnomAD v4.1: 5 of 1,614,000 alleles (0.00031%); highest among the groups gnomAD compares: African/African-American, 0.0053%; no homozygotes.

Submissions (6):

Labcorp Genetics (formerly Invitae), Labcorp
Classification: Uncertain significance for Hypertrophic cardiomyopathy. Last evaluated: 2025-12-02. Review status: criteria provided, single submitter. Criteria: Invitae Variant Classification Sherloc (09022015). Collection method: clinical testing. Allele origin: germline.
Comment: This sequence change replaces alanine, which is neutral and non-polar, with threonine, which is neutral and polar, at codon 893 of the MYH7 protein (p.Ala893Thr). This variant is present in population databases (rs750204313, gnomAD 0.008%). This variant has not been reported in the literature in individuals affected with MYH7-related conditions. ClinVar contains an entry for this variant (Variation ID: 918999). An algorithm developed to predict the effect of missense changes on protein structure and function outputs the following: PolyPhen-2: "Benign". The threonine amino acid residue is found in multiple mammalian species, which suggests that this missense change does not adversely affect protein function. This variant disrupts the p.Ala893 amino acid residue in MYH7. Other variant(s) that disrupt this residue have been determined to be pathogenic (PMID: 22464770, 23054336, 27532257, 29300372, 29447731, 34935411; internal data). This suggests that this residue is clinically significant, and that variants that disrupt this residue are likely to be disease-causing. In summary, the available evidence is currently insufficient to determine the role of this variant in disease. Therefore, it has been classified as a Variant of Uncertain Significance.

Ambry Genetics
Classification: Uncertain significance for Cardiovascular phenotype. Last evaluated: 2024-11-16. Review status: criteria provided, single submitter. Criteria: Ambry Variant Classification Scheme 2023. Collection method: clinical testing. Allele origin: germline.
Comment: The p.A893T variant (also known as c.2677G>A), located in coding exon 20 of the MYH7 gene, results from a G to A substitution at nucleotide position 2677. The alanine at codon 893 is replaced by threonine, an amino acid with similar properties. This alteration is located in the myosin head domain, which contains a statistically significant clustering of pathogenic missense variants (Homburger JR et al. Proc Natl Acad Sci U S A, 2016 06;113:6701-6; Walsh R et al. Genet Med, 2017 02;19:192-203; Ambry internal data). This amino acid position is well conserved in available vertebrate species. In addition, this alteration is predicted to be tolerated by in silico analysis. Based on the available evidence, the clinical significance of this variant remains unclear.

All of Us Research Program, National Institutes of Health
Classification: Uncertain significance for Cardiomyopathy. Last evaluated: 2024-07-10. Review status: criteria provided, single submitter. Criteria: ACMG Guidelines, 2015. Collection method: clinical testing. Allele origin: germline. Inheritance: Autosomal dominant inheritance. Observed: 1 variant allele, 1 heterozygote.
Comment: This missense variant replaces alanine with threonine at codon 893 of the MYH7 protein. Computational prediction tools indicate that this variant has a neutral impact on protein structure and function. To our knowledge, functional studies have not been reported for this variant. This variant has not been reported in individuals affected with MYH7-related disorders in the literature. This variant has been identified in 2/281914 chromosomes in the general population by the Genome Aggregation Database (gnomAD). The available evidence is insufficient to determine the role of this variant in disease conclusively. Therefore, this variant is classified as a Variant of Uncertain Significance.

This study involves interpretation of variants in research participants for the purpose of population health screening. Participant phenotype was not available at the time of variant classification. Additional details can be found in publication PMID: 35346344, PMCID: PMC8962531

Color Diagnostics, LLC DBA Color Health
Classification: Uncertain significance for Cardiomyopathy. Last evaluated: 2024-06-13. Review status: criteria provided, single submitter. Criteria: ACMG Guidelines, 2015. Collection method: clinical testing. Allele origin: germline.
Comment: This missense variant replaces alanine with threonine at codon 893 of the MYH7 protein. Computational prediction tools indicate that this variant has a neutral impact on protein structure and function. To our knowledge, functional studies have not been reported for this variant. This variant has not been reported in individuals affected with MYH7-related disorders in the literature. This variant has been identified in 2/281914 chromosomes in the general population by the Genome Aggregation Database (gnomAD). The available evidence is insufficient to determine the role of this variant in disease conclusively. Therefore, this variant is classified as a Variant of Uncertain Significance.

Fulgent Genetics
Classification: Uncertain significance for MYH7-related skeletal myopathy; Myosin storage myopathy; Hypertrophic cardiomyopathy 1; Myopathy, myosin storage, autosomal recessive; Congenital myopathy 4A, autosomal dominant; Dilated cardiomyopathy 1S. Last evaluated: 2021-09-13. Review status: criteria provided, single submitter. Criteria: ACMG Guidelines, 2015. Collection method: clinical testing. Allele origin: unknown.

Revvity Omics, Revvity
Classification: Uncertain significance. Last evaluated: 2021-05-28. Review status: criteria provided, single submitter. Criteria: ACMG Guidelines, 2015. Collection method: clinical testing. Allele origin: germline.

Literature cited by the submitters: PubMed 22464770 (cited by Labcorp Genetics (formerly Invitae), Labcorp); PubMed 23054336 (cited by Labcorp Genetics (formerly Invitae), Labcorp); PubMed 27532257 (cited by Labcorp Genetics (formerly Invitae), Labcorp); PubMed 29300372 (cited by Labcorp Genetics (formerly Invitae), Labcorp); PubMed 29447731 (cited by Labcorp Genetics (formerly Invitae), Labcorp); PubMed 34935411 (cited by Labcorp Genetics (formerly Invitae), Labcorp).